The following is an entry in ClinVar:

NM_006908.5(RAC1):c.12C>G (p.Ile4Met)

Genes: RAC1 (Rac family small GTPase 1; plus strand), LOC129997928 (ATAC-STARR-seq lymphoblastoid silent region 17942; plus strand). Cytogenetic location: 7p22.1.
Variant type: single nucleotide variant.
Coding change: c.12C>G on transcript NM_006908.5 (MANE Select); coding-DNA position 12, C replaced by G.
Protein change: p.Ile4Met; replaces isoleucine 4 with methionine.
Molecular consequence: missense variant.
Genome position (GRCh38, 1-based): chr7:6,374,747, C>G. VCF-style: chr7-6374747-C-G. GRCh37 (hg19) VCF-style: chr7-6414378-C-G.
Other names: c.12C>G, p.Ile4Met (NM_018890.4); short protein forms I4M.
Identifiers: ClinVar variation 3233523 (VCV003233523.2), dbSNP rs1322357597, ClinGen allele CA366756911.

ClinVar aggregate classification (germline): Uncertain significance (1 of 4 stars; one submission).

Submission:

Women's Health and Genetics/Laboratory Corporation of America, LabCorp
Classification: Uncertain significance. Last evaluated: 2024-03-11. Review status: criteria provided, single submitter. Criteria: LabCorp Variant Classification Summary - May 2015. Collection method: clinical testing. Allele origin: germline.
Comment: Variant summary: RAC1 c.12C>G (p.Ile4Met) results in a conservative amino acid change located in the Small GTP-binding protein domain (IPR005225) of the encoded protein sequence. Three of five in-silico tools predict a benign effect of the variant on protein function. The variant was absent in 32958 control chromosomes. The available data on variant occurrences in the general population are insufficient to allow any conclusion about variant significance. To our knowledge, no occurrence of c.12C>G in individuals affected with Intellectual Disability, Autosomal Dominant 48 and no experimental evidence demonstrating its impact on protein function have been reported. No submitters have cited clinical-significance assessments for this variant to ClinVar. Based on the evidence outlined above, the variant was classified as uncertain significance.